The following is an entry in ClinVar:

ClinVar aggregate classification (germline): Conflicting classifications of pathogenicity. Review status: criteria provided, conflicting classifications (1 of 4 stars). 8 submissions from 8 submitters: Uncertain significance (1); Likely benign (6). 1 of the submissions does not count toward it. Last evaluated 2025-06-12.

Conditions:
MYH9-related disorder. Identifiers: MedGen C1854520.
Nephrotic syndrome. Identifiers: MedGen C0027726, MONDO:0005377, HP:0000100.
Macrothrombocytopenia and granulocyte inclusions with or without nephritis or sensorineural hearing loss (MATINS). Also called: BLEEDING DISORDER, PLATELET-TYPE, 6; MAY-HEGGLIN ANOMALY; MYH9-Related Disease (MYH9-RD); DOHLE LEUKOCYTE INCLUSIONS WITH GIANT PLATELETS; MACROTHROMBOCYTOPENIA WITH LEUKOCYTE INCLUSIONS; Fechtner syndrome. Identifiers: Orphanet 182050, MedGen C5200934, MONDO:0015912, OMIM 155100.
Autosomal dominant nonsyndromic hearing loss 17. Also called: Deafness, autosomal dominant 17; Autosomal dominant nonsyndromic deafness 17. Identifiers: Orphanet 90635, MedGen C1863659, MONDO:0011350, OMIM 603622.

Allele frequency attached by ClinVar (database versions not stated): gnomAD exomes 0.00004 and 0.00005; ExAC 0.00007; gnomAD 0.00016 and 0.00017; TOPMed 0.00020; 1000 Genomes Project 30x 0.00031; ESP Exome Variant Server 0.00031; 1000 Genomes Project 0.00040.
gnomAD v4.1: 84 of 1,612,606 alleles (0.0052%); highest among the groups gnomAD compares: African/African-American, 0.095%; no homozygotes.

Submissions (8):

Labcorp Genetics (formerly Invitae), Labcorp
Classification: Likely benign. Last evaluated: 2025-06-12. Review status: criteria provided, single submitter. Criteria: Invitae Variant Classification Sherloc (09022015). Collection method: clinical testing. Allele origin: germline.

Blueprint Genetics
Classification: Likely benign. Last evaluated: 2024-10-18. Review status: criteria provided, single submitter. Criteria: ACMG Guidelines, 2015. Collection method: clinical testing. Allele origin: germline.

Fulgent Genetics
Classification: Likely benign for Macrothrombocytopenia and granulocyte inclusions with or without nephritis or sensorineural hearing loss; Autosomal dominant nonsyndromic hearing loss 17. Last evaluated: 2021-12-21. Review status: criteria provided, single submitter. Criteria: ACMG Guidelines, 2015. Collection method: clinical testing. Allele origin: unknown.

GeneDx
Classification: Likely benign. Last evaluated: 2020-10-09. Review status: criteria provided, single submitter. Criteria: GeneDx Variant Classification Process June 2021. Collection method: clinical testing. Allele origin: germline. Affected: yes.

ARUP Laboratories, Molecular Genetics and Genomics, ARUP Laboratories
Classification: Likely benign. Last evaluated: 2020-04-17. Review status: criteria provided, single submitter. Criteria: ARUP Molecular Germline Variant Investigation Process. Collection method: clinical testing. Allele origin: germline.

Molecular Diagnostics Lab, Nemours Children's Health, Delaware
Classification: Uncertain significance for Nephrotic syndrome. Last evaluated: 2019-10-31. Review status: criteria provided, single submitter. Criteria: ACMG Guidelines, 2015. Collection method: clinical testing. Allele origin: unknown. Inheritance: Autosomal dominant inheritance. Affected: yes. Observed: 1 heterozygote.
Comment: This missense variant (c.3246G>A, p.Glu1082=) has been observed at very low frequency in population databases (gnomAD) and has not been reported in the literature. Insufficient evidence exists to classify this change, therefore its significance is uncertain.

Laboratory for Molecular Medicine, Mass General Brigham Personalized Medicine
Classification: Likely benign. Last evaluated: 2012-04-30. Review status: criteria provided, single submitter. Criteria: LMM Criteria. Collection method: clinical testing. Allele origin: germline. Observed: 1 variant allele.
Comment: Glu1082Glu in Exon 25 of MYH9: This variant is not expected to have clinical sig nificance because it does not alter an amino acid residue, is not located within the splice consensus sequence, and has been identified in 0.1% (4/3738) of Afri can American chromosomes from a broad population by the NHLBI Exome Sequencing P roject (dbSNP rs147961725).

PreventionGenetics, part of Exact Sciences
Classification: Likely benign for MYH9-related condition. Last evaluated: 2020-08-11. Review status: no assertion criteria provided. Collection method: clinical testing. Allele origin: germline. Not counted in ClinVar's aggregate classification.
Comment: This variant is classified as likely benign based on ACMG/AMP sequence variant interpretation guidelines (Richards et al. 2015 PMID: 25741868, with internal and published modifications).

NM_002473.6(MYH9):c.3246G>A (p.Glu1082=)

Gene: MYH9 (myosin heavy chain 9; minus strand). Cytogenetic location: 22q12.3.
Variant type: single nucleotide variant.
Coding change: c.3246G>A on transcript NM_002473.6 (MANE Select); coding-DNA position 3246, G replaced by A.
Protein change: p.Glu1082=; no amino-acid change (glutamic acid 1082 retained).
Molecular consequence: synonymous variant.
Genome position (GRCh38, 1-based): chr22:36,296,869, C>T on the plus strand (G>A on the coding strand, the complement: MYH9 is on the minus strand). VCF-style: chr22-36296869-C-T. GRCh37 (hg19) VCF-style: chr22-36692915-C-T.
Identifiers: ClinVar variation 667130 (VCV000667130.29), dbSNP rs147961725, ClinGen allele CA10209721.